The following is an entry in ClinVar:

ClinVar aggregate classification (germline): Pathogenic (1 of 4 stars; one submission).

Conditions:
Bardet-Biedl syndrome 1 (BBS1). Identifiers: MedGen C2936862, MONDO:0008854, OMIM 209900. Disease mechanism: loss of function.

Submission:

Gharavi Laboratory, Columbia University
Classification: Pathogenic for Bardet-Biedl syndrome 1. Last evaluated: 2024-11-05. Review status: criteria provided, single submitter. Criteria: ACMG Guidelines, 2015. Collection method: case-control. Allele origin: germline. Affected: yes.
Comment: Compound heterozygote variant with NM_024649.5:c.479+2T>G

ENST00000318312

NM_024649.5(BBS1):c.268_272dup (p.Phe92fs)

Gene: BBS1 (Bardet-Biedl syndrome 1; plus strand). Cytogenetic location: 11q13.2.
Variant type: Duplication.
Coding change: c.268_272dup on transcript NM_024649.5 (MANE Select); coding-DNA positions 268 to 272, 5 bases duplicated (GCCAC; older notation c.268_272dupGCCAC).
Protein change: p.Phe92fs; shifts the reading frame from phenylalanine 92.
Molecular consequence: frameshift variant.
Genome position (GRCh38, 1-based): chr11:66,514,514-66,514,518, GCCAC duplicated. VCF-style (leftmost placement, unchanged base first): chr11-66514513-T-TGCCAC. GRCh37 (hg19) VCF-style: chr11-66281984-T-TGCCAC.
Other names: c.268_272dupGCCAC (NM_024649.5); short protein forms F92fs.
Identifiers: ClinVar variation 3900018 (VCV003900018.1).